The following is an entry in ClinVar:

ClinVar aggregate classification (germline): Uncertain significance (1 of 4 stars; one submission).

Conditions:
Brachyolmia-amelogenesis imperfecta syndrome. Also called: PLATYSPONDYLY WITH AMELOGENESIS IMPERFECTA; Tooth agenesis, selective, 6; Dental anomalies and short stature. Identifiers: Orphanet 2899, MedGen C1832594, MONDO:0011018, OMIM 601216. Disease mechanism: loss of function.

Submission:

Labcorp Genetics (formerly Invitae), Labcorp
Classification: Uncertain significance for Brachyolmia-amelogenesis imperfecta syndrome. Last evaluated: 2022-10-01. Review status: criteria provided, single submitter. Criteria: Invitae Variant Classification Sherloc (09022015). Collection method: clinical testing. Allele origin: germline.
Comment: In summary, the available evidence is currently insufficient to determine the role of this variant in disease. Therefore, it has been classified as a Variant of Uncertain Significance. Algorithms developed to predict the effect of missense changes on protein structure and function are either unavailable or do not agree on the potential impact of this missense change (SIFT: "Deleterious"; PolyPhen-2: "Possibly Damaging"; Align-GVGD: "Class C0"). This variant has not been reported in the literature in individuals affected with LTBP3-related conditions. This variant is not present in population databases (gnomAD no frequency). This sequence change replaces glycine, which is neutral and non-polar, with alanine, which is neutral and non-polar, at codon 105 of the LTBP3 protein (p.Gly105Ala).

NM_001130144.3(LTBP3):c.314G>C (p.Gly105Ala)

Gene: LTBP3 (latent transforming growth factor beta binding protein 3; minus strand). Cytogenetic location: 11q13.1.
Variant type: single nucleotide variant.
Coding change: c.314G>C on transcript NM_001130144.3 (MANE Select); coding-DNA position 314, G replaced by C.
Protein change: p.Gly105Ala; replaces glycine 105 with alanine.
Molecular consequence: missense variant. On other transcripts: 5 prime UTR variant (1).
Genome position (GRCh38, 1-based): chr11:65,557,646, C>G on the plus strand (G>C on the coding strand, the complement: LTBP3 is on the minus strand). VCF-style: chr11-65557646-C-G. GRCh37 (hg19) VCF-style: chr11-65325117-C-G.
Other names: c.-34G>C (NM_001164266.1); c.314G>C, p.Gly105Ala (NM_021070.4); short protein forms G105A.
Identifiers: ClinVar variation 1720755 (VCV001720755.6), dbSNP rs1185697655, ClinGen allele CA381277659.